The following is an entry in ClinVar:

NM_003482.4(KMT2D):c.5105G>A (p.Arg1702Gln)

Gene: KMT2D (lysine methyltransferase 2D; minus strand). Cytogenetic location: 12q13.12.
Variant type: single nucleotide variant.
Coding change: c.5105G>A on transcript NM_003482.4 (MANE Select); coding-DNA position 5105, G replaced by A.
Protein change: p.Arg1702Gln; replaces arginine 1702 with glutamine.
Molecular consequence: missense variant.
Genome position (GRCh38, 1-based): chr12:49,044,283, C>T on the plus strand (G>A on the coding strand, the complement: KMT2D is on the minus strand). VCF-style: chr12-49044283-C-T. GRCh37 (hg19) VCF-style: chr12-49438066-C-T.
Other names: short protein forms R1702Q.
Identifiers: ClinVar variation 4772425 (VCV004772425.2).
Genomic context (GRCh38, chr12:49,044,283, plus strand): 5'-CTCAACACCTCCGCCTGTGCAGCAGGCCCCTTTTTCGTGCGTGTGTGGGATTTCCGCTGT[C>T]GCACCATGAAACCACCAATGCCTATGAGGAGGCAGAGTTGTGGATGAGAAGCCGCTGGGG-3'
Protein context (NP_003473.3, residues 1692-1712): YRPGIGGFMV[Arg1702Gln]QRKSHTRTKK

ClinVar aggregate classification (germline): Uncertain significance. Review status: criteria provided, multiple submitters, no conflicts (2 of 4 stars). 2 submissions from 2 submitters: Uncertain significance (2). Last evaluated 2025-10-23.

Conditions:
Kabuki syndrome. Also called: Kabuki make-up syndrome; NIIKAWA-KUROKI SYNDROME. Identifiers: Orphanet 2322, MedGen C0796004, MONDO:0016512.
KMT2D-related disorder. Also called: KMT2D-Related Disorders.

gnomAD v4.1: 1 of 1,613,602 alleles (0.000062%); highest among the groups gnomAD compares: African/African-American, 0.0013%; no homozygotes.

Submissions (2):

Labcorp Genetics (formerly Invitae), Labcorp
Classification: Uncertain significance for Kabuki syndrome. Last evaluated: 2025-10-23. Review status: criteria provided, single submitter. Criteria: Invitae Variant Classification Sherloc (09022015). Collection method: clinical testing. Allele origin: germline.
Comment: This sequence change replaces arginine, which is basic and polar, with glutamine, which is neutral and polar, at codon 1702 of the KMT2D protein (p.Arg1702Gln). This variant is not present in population databases (gnomAD no frequency). This variant has not been reported in the literature in individuals affected with KMT2D-related conditions. Invitae Evidence Modeling of protein sequence and biophysical properties (such as structural, functional, and spatial information, amino acid conservation, physicochemical variation, residue mobility, and thermodynamic stability) has been performed for this missense variant. However, the output from this modeling did not meet the statistical confidence thresholds required to predict the impact of this variant on KMT2D protein function. In summary, the available evidence is currently insufficient to determine the role of this variant in disease. Therefore, it has been classified as a Variant of Uncertain Significance.

PreventionGenetics, part of Exact Sciences
Classification: Uncertain significance for KMT2D-related condition. Last evaluated: 2025-05-23. Review status: criteria provided, single submitter. Criteria: ACMG Guidelines, 2015. Collection method: clinical testing. Allele origin: germline.
Comment: The KMT2D c.5105G>A variant is predicted to result in the amino acid substitution p.Arg1702Gln. To our knowledge, this variant has not been reported in the literature or in a large population database (gnomAD). At this time, the clinical significance of this variant is uncertain due to the absence of conclusive functional and genetic evidence.